The following is an entry in ClinVar:

ClinVar aggregate classification (germline): Uncertain significance (1 of 4 stars; one submission).

Conditions:
Charcot-Marie-Tooth disease type 2E (CMT2E). Also called: CHARCOT-MARIE-TOOTH DISEASE, AXONAL, TYPE 2E; CHARCOT-MARIE-TOOTH NEUROPATHY, TYPE 2E. Identifiers: Orphanet 99939, MedGen C1843225, MONDO:0011894, OMIM 607684.

Submission:

Labcorp Genetics (formerly Invitae), Labcorp
Classification: Uncertain significance for Charcot-Marie-Tooth disease type 2E. Last evaluated: 2023-02-08. Review status: criteria provided, single submitter. Criteria: Invitae Variant Classification Sherloc (09022015). Collection method: clinical testing. Allele origin: germline.
Comment: This sequence change replaces isoleucine, which is neutral and non-polar, with asparagine, which is neutral and polar, at codon 79 of the NEFL protein (p.Ile79Asn). In summary, the available evidence is currently insufficient to determine the role of this variant in disease. Therefore, it has been classified as a Variant of Uncertain Significance. Advanced modeling of protein sequence and biophysical properties (such as structural, functional, and spatial information, amino acid conservation, physicochemical variation, residue mobility, and thermodynamic stability) performed at Invitae indicates that this missense variant is not expected to disrupt NEFL protein function. This variant has not been reported in the literature in individuals affected with NEFL-related conditions. This variant is not present in population databases (gnomAD no frequency).

NM_006158.5(NEFL):c.236T>A (p.Ile79Asn)

Gene: NEFL (neurofilament light chain; minus strand). Cytogenetic location: 8p21.2.
Variant type: single nucleotide variant.
Coding change: c.236T>A on transcript NM_006158.5 (MANE Select); coding-DNA position 236, T replaced by A.
Protein change: p.Ile79Asn; replaces isoleucine 79 with asparagine.
Molecular consequence: missense variant.
Genome position (GRCh38, 1-based): chr8:24,956,280, A>T on the plus strand (T>A on the coding strand, the complement: NEFL is on the minus strand). VCF-style: chr8-24956280-A-T. GRCh37 (hg19) VCF-style: chr8-24813794-A-T.
Other names: short protein forms I79N.
Identifiers: ClinVar variation 2778816 (VCV002778816.3), dbSNP rs2486888067, ClinGen allele CA370623100.
Genomic context (GRCh38, chr8:24,956,280, plus strand): 5'-TCATTGAGGTCCTGGAGCTGCGCCTTCTCCTGCGTGCGGATGGACTTGAGGTCGTTGCTG[A>T]TGGCGGCTACCTGGCTCAGGTCGAGGTTCTCCAGACTGGGCATCAACGATCCAGAGCTGG-3'
Protein context (NP_006149.2, residues 69-89): ENLDLSQVAA[Ile79Asn]SNDLKSIRTQ